The following is an entry in ClinVar:

ClinVar aggregate classification (germline): Uncertain significance. Review status: criteria provided, multiple submitters, no conflicts (2 of 4 stars). 2 submissions from 2 submitters: Uncertain significance (2). Last evaluated 2026-06-12.

Conditions:
Hereditary cancer-predisposing syndrome. Also called: Hereditary Cancer Syndrome; Neoplastic Syndromes, Hereditary; Tumor predisposition; Hereditary neoplastic syndrome. Identifiers: Orphanet 140162, MedGen C0027672, MeSH D009386, MONDO:0015356.
Hereditary nonpolyposis colorectal neoplasms. Identifiers: MedGen C0009405, MeSH D003123.

Submissions (2):

Ambry Genetics
Classification: Uncertain significance for Hereditary cancer-predisposing syndrome. Last evaluated: 2026-06-12. Review status: criteria provided, single submitter. Criteria: Ambry Variant Classification Scheme 2023. Collection method: clinical testing. Allele origin: germline.
Comment: The p.N226D variant (also known as c.676A>G), located in coding exon 6 of the PMS2 gene, results from an A to G substitution at nucleotide position 676. The asparagine at codon 226 is replaced by aspartic acid, an amino acid with highly similar properties. This amino acid position is conserved. In addition, the in silico prediction for this alteration is inconclusive. Based on the available evidence, the clinical significance of this variant remains unclear.

Labcorp Genetics (formerly Invitae), Labcorp
Classification: Uncertain significance for Hereditary nonpolyposis colorectal neoplasms. Last evaluated: 2019-05-10. Review status: criteria provided, single submitter. Criteria: Invitae Variant Classification Sherloc (09022015). Collection method: clinical testing. Allele origin: germline.
Comment: This variant is not present in population databases (ExAC no frequency). In summary, the available evidence is currently insufficient to determine the role of this variant in disease. Therefore, it has been classified as a Variant of Uncertain Significance. Algorithms developed to predict the effect of missense changes on protein structure and function are either unavailable or do not agree on the potential impact of this missense change (SIFT: "Deleterious"; PolyPhen-2: "Probably Damaging"; Align-GVGD: "Class C15"). This variant has not been reported in the literature in individuals with PMS2-related conditions. This sequence change replaces asparagine with aspartic acid at codon 226 of the PMS2 protein (p.Asn226Asp). The asparagine residue is highly conserved and there is a small physicochemical difference between asparagine and aspartic acid.

NM_000535.7(PMS2):c.676A>G (p.Asn226Asp)

Gene: PMS2 (PMS1 homolog 2, mismatch repair system component; minus strand). Cytogenetic location: 7p22.1.
Variant type: single nucleotide variant.
Coding change: c.676A>G on transcript NM_000535.7 (MANE Select); coding-DNA position 676, A replaced by G.
Protein change: p.Asn226Asp; replaces asparagine 226 with aspartic acid.
Molecular consequence: missense variant. On other transcripts: 5 prime UTR variant (2), non-coding transcript variant (1), intron variant (1).
Genome position (GRCh38, 1-based): chr7:5,999,137, T>C on the plus strand (A>G on the coding strand, the complement: PMS2 is on the minus strand). VCF-style: chr7-5999137-T-C. GRCh37 (hg19) VCF-style: chr7-6038768-T-C.
Other names: c.271A>G, p.Asn91Asp (NM_001322003.2, NM_001322004.2, NM_001322005.2 and 2 more transcripts); c.676A>G, p.Asn226Asp (NM_001322006.2, NM_001322014.2); c.358A>G, p.Asn120Asp (NM_001322007.2, NM_001322008.2); c.-258A>G (NM_001322011.2, NM_001322012.2); c.367A>G, p.Asn123Asp (NM_001322015.2); c.133-1714A>G (NM_001322013.2); short protein forms N120D, N91D, N123D, N226D.
Identifiers: ClinVar variation 948253 (VCV000948253.10), dbSNP rs587782791, ClinGen allele CA366743867.
Genomic context (GRCh38, chr7:5,999,137, plus strand): 5'-AAGAGGCGTTGAAGTAACCGGCCATCACTACCTGCTTCTGCCCAAACACAGAGCCGATAT[T>C]TTCCTTTATGCTGGGGCTTCCACCTGTGCATACCACAGGCTGTCGTTTTCCTTGTCCAAG-3'
Protein context (NP_000526.2, residues 216-236): CTGGSPSIKE[Asn226Asp]IGSVFGQKQL